The following is an entry in ClinVar:

NM_181523.3(PIK3R1):c.736C>A (p.His246Asn)

Gene: PIK3R1 (phosphoinositide-3-kinase regulatory subunit 1; plus strand). Cytogenetic location: 5q13.1.
Variant type: single nucleotide variant.
Coding change: c.736C>A on transcript NM_181523.3 (MANE Select); coding-DNA position 736, C replaced by A.
Protein change: p.His246Asn; replaces histidine 246 with asparagine.
Molecular consequence: missense variant.
Genome position (GRCh38, 1-based): chr5:68,280,629, C>A. VCF-style: chr5-68280629-C-A. GRCh37 (hg19) VCF-style: chr5-67576457-C-A.
Other names: short protein forms H246N.
Identifiers: ClinVar variation 1450502 (VCV001450502.7), dbSNP rs2112195478, ClinGen allele CA359875364.

ClinVar aggregate classification (germline): Uncertain significance. Review status: criteria provided, multiple submitters, no conflicts (2 of 4 stars). 2 submissions from 2 submitters: Uncertain significance (2). Last evaluated 2022-09-15.

Conditions:
Immunodeficiency 36 with lymphoproliferation. Also called: ACTIVATED PI3K-DELTA SYNDROME 2; Immunodeficiency 36; Activated PI3K Delta Syndrome Type 2 (APDS2). Identifiers: Orphanet 397596, Orphanet 693681, MedGen C4014934, MONDO:0014453, OMIM 616005.
SHORT syndrome. Also called: LIPODYSTROPHY, PARTIAL, WITH RIEGER ANOMALY AND SHORT STATURE; PIK3R1-Related SHORT Syndrome; SHORT STATURE, HYPEREXTENSIBILITY, HERNIA, OCULAR DEPRESSION, RIEGER ANOMALY, AND TEETHING DELAY. Identifiers: Orphanet 3163, MedGen C0878684, MONDO:0010026, OMIM 269880.
Agammaglobulinemia 7, autosomal recessive (AGM7). Also called: AGAMMAGLOBULINEMIA, AUTOSOMAL RECESSIVE, DUE TO PIK3R1 DEFECT. Identifiers: MedGen C3554689, MONDO:0014083, OMIM 615214.

Submissions (2):

Labcorp Genetics (formerly Invitae), Labcorp
Classification: Uncertain significance for SHORT syndrome; Immunodeficiency 36 with lymphoproliferation; Agammaglobulinemia 7, autosomal recessive. Last evaluated: 2022-09-15. Review status: criteria provided, single submitter. Criteria: Invitae Variant Classification Sherloc (09022015). Collection method: clinical testing. Allele origin: germline.
Comment: This variant has not been reported in the literature in individuals affected with PIK3R1-related conditions. This variant is not present in population databases (gnomAD no frequency). This sequence change replaces histidine, which is basic and polar, with asparagine, which is neutral and polar, at codon 246 of the PIK3R1 protein (p.His246Asn). ClinVar contains an entry for this variant (Variation ID: 1450502). In summary, the available evidence is currently insufficient to determine the role of this variant in disease. Therefore, it has been classified as a Variant of Uncertain Significance. Algorithms developed to predict the effect of missense changes on protein structure and function are either unavailable or do not agree on the potential impact of this missense change (SIFT: "Tolerated"; PolyPhen-2: "Probably Damaging"; Align-GVGD: "Class C0").

GeneDx
Classification: Uncertain significance. Last evaluated: 2022-07-08. Review status: criteria provided, single submitter. Criteria: GeneDx Variant Classification Process June 2021. Collection method: clinical testing. Allele origin: germline. Affected: yes.
Comment: Not observed at significant frequency in large population cohorts (gnomAD); In silico analysis supports that this missense variant has a deleterious effect on protein structure/function; Has not been previously published as pathogenic or benign to our knowledge.